The following is an entry in ClinVar:

NM_152424.4(AMER1):c.2642G>A (p.Arg881Gln)

Gene: AMER1 (APC membrane recruitment protein 1; minus strand). Cytogenetic location: Xq11.2.
Variant type: single nucleotide variant.
Coding change: c.2642G>A on transcript NM_152424.4 (MANE Select); coding-DNA position 2642, G replaced by A.
Protein change: p.Arg881Gln; replaces arginine 881 with glutamine.
Molecular consequence: missense variant.
Genome position (GRCh38, 1-based): chrX:64,190,645, C>T on the plus strand (G>A on the coding strand, the complement: AMER1 is on the minus strand). VCF-style: chrX-64190645-C-T. GRCh37 (hg19) VCF-style: chrX-63410525-C-T.
Other names: c.2642G>A (NM_152424.3); short protein forms R881Q.
Identifiers: ClinVar variation 1577627 (VCV001577627.20), dbSNP rs372769953, ClinGen allele CA10432174.

ClinVar aggregate classification (germline): Likely benign. Review status: criteria provided, multiple submitters, no conflicts (2 of 4 stars). 4 submissions from 4 submitters: Likely benign (4). Last evaluated 2025-05-01.

Conditions:
AMER1-related disorder. Also called: AMER1-related condition.
Inborn genetic diseases. Identifiers: MedGen C0950123, MeSH D030342.

Allele frequency attached by ClinVar (database versions not stated): ESP Exome Variant Server 0.00010.
gnomAD v4.1: 89 of 1,209,849 alleles (0.0074%); highest among the groups gnomAD compares: Non-Finnish European, 0.0094%; 1 homozygote.

Submissions (4):

CeGaT Center for Human Genetics Tuebingen
Classification: Likely benign. Last evaluated: 2025-05-01. Review status: criteria provided, single submitter. Criteria: CeGaT Center For Human Genetics Tuebingen Variant Classification Criteria Version 2. Collection method: clinical testing. Allele origin: germline. Affected: yes. Observed: 1 variant allele.
Comment: AMER1: BP4, BS2

Labcorp Genetics (formerly Invitae), Labcorp
Classification: Likely benign. Last evaluated: 2025-03-17. Review status: criteria provided, single submitter. Criteria: Invitae Variant Classification Sherloc (09022015). Collection method: clinical testing. Allele origin: germline.

PreventionGenetics, part of Exact Sciences
Classification: Likely benign for AMER1-related condition. Last evaluated: 2024-11-14. Review status: criteria provided, single submitter. Criteria: ACMG Guidelines, 2015. Collection method: clinical testing. Allele origin: germline.
Comment: This variant is classified as likely benign based on ACMG/AMP sequence variant interpretation guidelines (Richards et al. 2015 PMID: 25741868, with internal and published modifications).

Ambry Genetics
Classification: Likely benign for Inborn genetic diseases. Last evaluated: 2024-05-30. Review status: criteria provided, single submitter. Criteria: Ambry Variant Classification Scheme 2023. Collection method: clinical testing. Allele origin: germline.